The following is an entry in ClinVar:

ClinVar aggregate classification (germline): Uncertain significance. Review status: criteria provided, multiple submitters, no conflicts (2 of 4 stars). 4 submissions from 4 submitters: Uncertain significance (4). Last evaluated 2025-09-13.

Conditions:
Hidrotic ectodermal dysplasia syndrome (GJB6). Also called: Ectodermal dysplasia 2, hidrotic; Autosomal dominant hidrotic ectodermal dysplasia; Clouston syndrome; Clouston's hidrotic ectodermal dysplasia; CLOUSTON HIDROTIC ECTODERMAL DYSPLASIA; ECTODERMAL DYSPLASIA 2, CLOUSTON TYPE. Identifiers: Orphanet 189, MedGen C0162361, MONDO:0007510, OMIM 129500.
Autosomal recessive nonsyndromic hearing loss 1A (DFNB1A). Also called: GJB6-Related DFNB 1 Nonsyndromic Hearing Loss and Deafness; Deafness, autosomal recessive 1A; Connexin 26 deafness; Deafness nonsyndromic, Connexin 26 linked; Nonsyndromic Hearing Loss and Deafness, DFNB1; GJB2-Related Autosomal Recessive Nonsyndromic Hearing Loss. Identifiers: Orphanet 90636, MedGen C2673759, MONDO:0009076, OMIM 220290.
Autosomal recessive nonsyndromic hearing loss 1B. Also called: DEAFNESS, AUTOSOMAL RECESSIVE 1B. Identifiers: Orphanet 90636, MedGen C2675235, MONDO:0012977, OMIM 612645.
Autosomal dominant nonsyndromic hearing loss 3B. Identifiers: Orphanet 90635, MedGen C2675237, MONDO:0012975, OMIM 612643.
Inborn genetic diseases. Identifiers: MedGen C0950123, MeSH D030342.

Allele frequency attached by ClinVar (database versions not stated): gnomAD exomes 0.00001; ExAC 0.00002; gnomAD 0.00003; TOPMed 0.00004.
gnomAD v4.1: 21 of 1,614,020 alleles (0.0013%); highest among the groups gnomAD compares: Admixed American, 0.027%; no homozygotes.

Submissions (4):

Labcorp Genetics (formerly Invitae), Labcorp
Classification: Uncertain significance for Autosomal dominant nonsyndromic hearing loss 3B; Hidrotic ectodermal dysplasia syndrome; Autosomal recessive nonsyndromic hearing loss 1B; Autosomal recessive nonsyndromic hearing loss 1A. Last evaluated: 2025-09-13. Review status: criteria provided, single submitter. Criteria: Invitae Variant Classification Sherloc (09022015). Collection method: clinical testing. Allele origin: germline.
Comment: This sequence change replaces proline, which is neutral and non-polar, with leucine, which is neutral and non-polar, at codon 58 of the GJB6 protein (p.Pro58Leu). This variant is present in population databases (rs764997003, gnomAD 0.03%). This variant has not been reported in the literature in individuals affected with GJB6-related conditions. ClinVar contains an entry for this variant (Variation ID: 2544635). Invitae Evidence Modeling of protein sequence and biophysical properties (such as structural, functional, and spatial information, amino acid conservation, physicochemical variation, residue mobility, and thermodynamic stability) has been performed for this missense variant. However, the output from this modeling did not meet the statistical confidence thresholds required to predict the impact of this variant on GJB6 protein function. In summary, the available evidence is currently insufficient to determine the role of this variant in disease. Therefore, it has been classified as a Variant of Uncertain Significance.

Revvity Omics, Revvity
Classification: Uncertain significance. Last evaluated: 2024-07-09. Review status: criteria provided, single submitter. Criteria: ACMG Guidelines, 2015. Collection method: clinical testing. Allele origin: germline.

Blueprint Genetics
Classification: Uncertain significance. Last evaluated: 2024-03-14. Review status: criteria provided, single submitter. Criteria: ACMG Guidelines, 2015. Collection method: clinical testing. Allele origin: germline.

Ambry Genetics
Classification: Uncertain significance for Inborn genetic diseases. Last evaluated: 2023-03-24. Review status: criteria provided, single submitter. Criteria: Ambry Variant Classification Scheme 2023. Collection method: clinical testing. Allele origin: germline.

NM_001110219.3(GJB6):c.173C>T (p.Pro58Leu)

Gene: GJB6 (gap junction protein beta 6; minus strand). Cytogenetic location: 13q12.11.
Variant type: single nucleotide variant.
Coding change: c.173C>T on transcript NM_001110219.3 (MANE Select); coding-DNA position 173, C replaced by T.
Protein change: p.Pro58Leu; replaces proline 58 with leucine.
Molecular consequence: missense variant.
Genome position (GRCh38, 1-based): chr13:20,223,308, G>A on the plus strand (C>T on the coding strand, the complement: GJB6 is on the minus strand). VCF-style: chr13-20223308-G-A. GRCh37 (hg19) VCF-style: chr13-20797447-G-A.
Other names: c.173C>T, p.Pro58Leu (NM_001110220.3, NM_001110221.3, NM_001370090.1 and 3 more transcripts); short protein forms P58L.
Identifiers: ClinVar variation 2544635 (VCV002544635.5), dbSNP rs764997003, ClinGen allele CA6904497.